The following is an entry in ClinVar:

NM_006295.3(VARS1):c.1389C>T (p.His463=)

Gene: VARS1 (valyl-tRNA synthetase 1; minus strand). Cytogenetic location: 6p21.33.
Variant type: single nucleotide variant.
Coding change: c.1389C>T on transcript NM_006295.3 (MANE Select); coding-DNA position 1389, C replaced by T.
Protein change: p.His463=; no amino-acid change (histidine 463 retained).
Molecular consequence: synonymous variant.
Genome position (GRCh38, 1-based): chr6:31,784,673, G>A on the plus strand (C>T on the coding strand, the complement: VARS1 is on the minus strand). VCF-style: chr6-31784673-G-A. GRCh37 (hg19) VCF-style: chr6-31752450-G-A.
Identifiers: ClinVar variation 2656427 (VCV002656427.24), dbSNP rs538739703, ClinGen allele CA3723319.

ClinVar aggregate classification (germline): Likely benign (1 of 4 stars; one submission).

Allele frequency attached by ClinVar (database versions not stated): gnomAD 0.00002; gnomAD exomes 0.00003; ExAC 0.00011; 1000 Genomes Project 30x 0.00016; 1000 Genomes Project 0.00020.

Submission:

CeGaT Center for Human Genetics Tuebingen
Classification: Likely benign. Last evaluated: 2023-01-01. Review status: criteria provided, single submitter. Criteria: CeGaT Center For Human Genetics Tuebingen Variant Classification Criteria Version 2. Collection method: clinical testing. Allele origin: germline. Affected: yes. Observed: 1 variant allele.
Comment: VARS1: BP4, BP7